The following is an entry in ClinVar:

NM_001267550.2(TTN):c.52199A>C (p.Glu17400Ala)

Genes: TTN (titin; minus strand), TTN-AS1 (TTN antisense RNA 1; plus strand). Cytogenetic location: 2q31.2.
Variant type: single nucleotide variant.
Coding change: c.52199A>C on transcript NM_001267550.2 (MANE Select); coding-DNA position 52199, A replaced by C.
Protein change: p.Glu17400Ala; replaces glutamic acid 17400 with alanine.
Molecular consequence: missense variant.
Genome position (GRCh38, 1-based): chr2:178,608,812, T>G on the plus strand (A>C on the coding strand, the complement: TTN is on the minus strand). VCF-style: chr2-178608812-T-G. GRCh37 (hg19) VCF-style: chr2-179473539-T-G.
Other names: c.47276A>C, p.Glu15759Ala (NM_001256850.1); c.44495A>C, p.Glu14832Ala (NM_133378.4); c.25004A>C, p.Glu8335Ala (NM_003319.4); c.25379A>C, p.Glu8460Ala (NM_133432.3); c.25580A>C, p.Glu8527Ala (NM_133437.4); short protein forms E14832A, E17400A, E8335A, E8460A, E15759A, E8527A.
Identifiers: ClinVar variation 229454 (VCV000229454.20), dbSNP rs773027240, ClinGen allele CA1994035.

ClinVar aggregate classification (germline): Conflicting classifications of pathogenicity. Review status: criteria provided, conflicting classifications (1 of 4 stars). 8 submissions from 8 submitters: Uncertain significance (4); Likely benign (4). Last evaluated 2025-04-16.

Conditions:
TTN-related disorder. Also called: TTN-related disorders; TTN-related condition; TTN-related disease.
Cardiovascular phenotype. Identifiers: MedGen CN230736.
Dilated cardiomyopathy 1G (CMD1G). Identifiers: Orphanet 154, MedGen C1858763, MONDO:0011400, OMIM 604145.
Autosomal recessive limb-girdle muscular dystrophy type 2J (LGMDR10). Also called: Limb-girdle muscular dystrophy, type 2J; MUSCULAR DYSTROPHY, LIMB-GIRDLE, AUTOSOMAL RECESSIVE 10. Identifiers: Orphanet 140922, MedGen C1837342, MONDO:0012127, OMIM 608807.

Allele frequency attached by ClinVar (database versions not stated): gnomAD exomes 0.00003 and 0.00013; ExAC 0.00004; gnomAD 0.00005 and 0.00006; TOPMed 0.00005.
gnomAD v4.1: 197 of 1,612,506 alleles (0.012%); highest among the groups gnomAD compares: Non-Finnish European, 0.016%; 1 homozygote.

Submissions (8):

PreventionGenetics, part of Exact Sciences
Classification: Likely benign for TTN-related condition. Last evaluated: 2025-04-16. Review status: criteria provided, single submitter. Criteria: ACMG Guidelines, 2015. Collection method: clinical testing. Allele origin: germline.
Comment: This variant is classified as likely benign based on ACMG/AMP sequence variant interpretation guidelines (Richards et al. 2015 PMID: 25741868, with internal and published modifications).

Molecular Diagnostic Laboratory for Inherited Cardiovascular Disease, Montreal Heart Institute
Classification: Likely benign. Last evaluated: 2025-04-09. Review status: criteria provided, single submitter. Criteria: ACMG Guidelines, 2015. Collection method: clinical testing. Allele origin: germline. Affected: no.

Blueprint Genetics
Classification: Likely benign. Last evaluated: 2023-08-02. Review status: criteria provided, single submitter. Criteria: ACMG Guidelines, 2015. Collection method: clinical testing. Allele origin: germline.

ARUP Laboratories, Molecular Genetics and Genomics, ARUP Laboratories
Classification: Uncertain significance. Last evaluated: 2019-10-07. Review status: criteria provided, single submitter. Criteria: ARUP Molecular Germline Variant Investigation Process. Collection method: clinical testing. Allele origin: germline.
Comment: The TTN c.52199A>C; p.Glu17400Ala variant (rs773027240; ClinVar Variation ID: 229454) is rare in the general population (<1% allele frequency in the Genome Aggregation Database) and has not been reported in the medical literature in association with dilated cardiomyopathy (DCM) or other TTN-related disease. The clinical relevance of rare missense variants in this gene, which are identified on average once per individual sequenced in affected populations (Herman 2012), is not well understood. Yet, evidence suggests that the vast majority of such missense variants do not contribute to the clinical outcome of DCM (Begay 2015). Thus, the clinical significance of the p.Glu17400Ala variant cannot be determined with certainty.

Ambry Genetics
Classification: Uncertain significance for Cardiovascular phenotype. Last evaluated: 2018-11-30. Review status: criteria provided, single submitter. Criteria: Ambry Variant Classification Scheme 2023. Collection method: clinical testing. Allele origin: germline.
Comment: The p.E8335A variant (also known as c.25004A>C), located in coding exon 101 of the TTN gene, results from an A to C substitution at nucleotide position 25004. The glutamic acid at codon 8335 is replaced by alanine, an amino acid with dissimilar properties. This amino acid position is highly conserved in available vertebrate species. In addition, this alteration is predicted to be tolerated by in silico analysis. Since supporting evidence is limited at this time, the clinical significance of this alteration remains unclear.

GeneDx
Classification: Likely benign. Last evaluated: 2018-04-13. Review status: criteria provided, single submitter. Criteria: GeneDx Variant Classification (06012015). Collection method: clinical testing. Allele origin: germline. Affected: yes.
Comment: This variant is considered likely benign or benign based on one or more of the following criteria: it is a conservative change, it occurs at a poorly conserved position in the protein, it is predicted to be benign by multiple in silico algorithms, and/or has population frequency not consistent with disease.

Laboratory for Molecular Medicine, Mass General Brigham Personalized Medicine
Classification: Uncertain significance. Last evaluated: 2018-01-17. Review status: criteria provided, single submitter. Criteria: LMM Criteria. Collection method: clinical testing. Allele origin: germline. Observed: 1 variant allele.
Comment: proposed classification - variant undergoing re-assessment, contact laboratory

Labcorp Genetics (formerly Invitae), Labcorp
Classification: Uncertain significance for Dilated cardiomyopathy 1G; Autosomal recessive limb-girdle muscular dystrophy type 2J. Last evaluated: 2017-11-22. Review status: criteria provided, single submitter. Criteria: Invitae Variant Classification Sherloc (09022015). Collection method: clinical testing. Allele origin: germline.